The following is an entry in ClinVar:

ClinVar aggregate classification (germline): Pathogenic. Review status: criteria provided, single submitter (1 of 4 stars). 2 submissions from 2 submitters: Pathogenic (1). 1 of the submissions does not count toward it. Last evaluated 2025-06-02.

Conditions:
Hydrocephalus, congenital communicating, 1. Also called: HYDROCEPHALUS, CONGENITAL, 4. Identifiers: MedGen C5231454, MONDO:0032862, OMIM 618667.

Submissions (2):

GeneDx
Classification: Pathogenic. Last evaluated: 2025-06-02. Review status: criteria provided, single submitter. Criteria: GeneDx Variant Classification Process June 2021. Collection method: clinical testing. Allele origin: germline. Affected: yes.
Comment: Published functional studies demonstrate that p.R608H disrupts TRIM71 binding to its RNA targets and compromises reporter gene repression, leading to premature neuroepithelial cell differentiation and reduced neurogenesis (PMID: 35379995, 31371437); In silico analysis supports that this missense variant has a deleterious effect on protein structure/function; Not observed at significant frequency in large population cohorts (gnomAD); This variant is associated with the following publications: (PMID: 30205212, 30975633, 33077954, 31371437, 35379995, 38833623, 39252126, 29983323)

OMIM
Classification: Pathogenic for HYDROCEPHALUS, CONGENITAL, 4. Last evaluated: 2025-08-25. Review status: no assertion criteria provided. Collection method: literature only. Allele origin: germline. Not counted in ClinVar's aggregate classification.

Literature cited by the submitters: PubMed 29983323 (cited by OMIM); PubMed 38833623 (cited by OMIM).

NM_001039111.3(TRIM71):c.1823G>A (p.Arg608His)

Gene: TRIM71 (tripartite motif containing 71; plus strand). Cytogenetic location: 3p22.3.
Variant type: single nucleotide variant.
Coding change: c.1823G>A on transcript NM_001039111.3 (MANE Select); coding-DNA position 1823, G replaced by A.
Protein change: p.Arg608His; replaces arginine 608 with histidine.
Molecular consequence: missense variant.
Genome position (GRCh38, 1-based): chr3:32,891,027, G>A. VCF-style: chr3-32891027-G-A. GRCh37 (hg19) VCF-style: chr3-32932519-G-A.
Other names: c.1823G>A (NM_001039111.2); short protein forms R608H.
Identifiers: ClinVar variation 694594 (VCV000694594.4), dbSNP rs1575362216, ClinGen allele CA351989735.